The following is an entry in ClinVar:

ClinVar aggregate classification (germline): Conflicting classifications of pathogenicity. Review status: criteria provided, conflicting classifications (1 of 4 stars). 2 submissions from 2 submitters: Likely pathogenic (1); Uncertain significance (1). Last evaluated 2025-07-07.

Conditions:
Early-infantile DEE. Also called: Early infantile epileptic encephalopathy with suppression bursts; Early infantile epileptic encephalopathy; Ohtahara syndrome. Identifiers: Orphanet 1934, MedGen C0393706, MONDO:0800491.

Allele frequency attached by ClinVar (database versions not stated): gnomAD exomes below 0.00001.
gnomAD v4.1: 2 of 1,613,912 alleles (0.00012%); highest among the groups gnomAD compares: Non-Finnish European, 0.00017%; no homozygotes.

Submissions (2):

GeneDx
Classification: Likely pathogenic. Last evaluated: 2025-07-07. Review status: criteria provided, single submitter. Criteria: GeneDx Variant Classification Process June 2021. Collection method: clinical testing. Allele origin: germline.
Comment: Has also been observed as paternally inherited in a patient with Dravet syndrome; no further clinical details were provided in this report (PMID: 34055682); Not observed at significant frequency in large population cohorts (gnomAD); In silico analysis supports that this missense variant has a deleterious effect on protein structure/function; This variant is associated with the following publications: (PMID: Hu2021[preprint], 34055682, 34859793)

Labcorp Genetics (formerly Invitae), Labcorp
Classification: Uncertain significance for Early-infantile DEE. Last evaluated: 2024-12-10. Review status: criteria provided, single submitter. Criteria: Invitae Variant Classification Sherloc (09022015). Collection method: clinical testing. Allele origin: germline.
Comment: This sequence change replaces arginine, which is basic and polar, with histidine, which is basic and polar, at codon 560 of the HCN1 protein (p.Arg560His). This variant is not present in population databases (gnomAD no frequency). This missense change has been observed in individual(s) with Dravet syndrome (PMID: 34055682). ClinVar contains an entry for this variant (Variation ID: 1517194). Invitae Evidence Modeling of protein sequence and biophysical properties (such as structural, functional, and spatial information, amino acid conservation, physicochemical variation, residue mobility, and thermodynamic stability) has been performed for this missense variant. However, the output from this modeling did not meet the statistical confidence thresholds required to predict the impact of this variant on HCN1 protein function. In summary, the available evidence is currently insufficient to determine the role of this variant in disease. Therefore, it has been classified as a Variant of Uncertain Significance.

Literature cited by the submitters: PubMed 34055682 (cited by Labcorp Genetics (formerly Invitae), Labcorp).

NM_021072.4(HCN1):c.1679G>A (p.Arg560His)

Gene: HCN1 (hyperpolarization activated cyclic nucleotide gated potassium channel 1; minus strand). Cytogenetic location: 5p12.
Variant type: single nucleotide variant.
Coding change: c.1679G>A on transcript NM_021072.4 (MANE Select); coding-DNA position 1679, G replaced by A.
Protein change: p.Arg560His; replaces arginine 560 with histidine.
Molecular consequence: missense variant.
Genome position (GRCh38, 1-based): chr5:45,267,193, C>T on the plus strand (G>A on the coding strand, the complement: HCN1 is on the minus strand). VCF-style: chr5-45267193-C-T. GRCh37 (hg19) VCF-style: chr5-45267295-C-T.
Other names: c.1679G>A (NM_021072.3); short protein forms R560H.
Identifiers: ClinVar variation 1517194 (VCV001517194.9), dbSNP rs1744875525, ClinGen allele CA359705888.